The following is an entry in ClinVar:

NM_000540.3(RYR1):c.3683A>T (p.Asn1228Ile)

Gene: RYR1 (ryanodine receptor 1; plus strand). Cytogenetic location: 19q13.2.
Variant type: single nucleotide variant.
Coding change: c.3683A>T on transcript NM_000540.3 (MANE Select); coding-DNA position 3683, A replaced by T.
Protein change: p.Asn1228Ile; replaces asparagine 1228 with isoleucine.
Molecular consequence: missense variant.
Genome position (GRCh38, 1-based): chr19:38,469,431, A>T. VCF-style: chr19-38469431-A-T. GRCh37 (hg19) VCF-style: chr19-38960071-A-T.
Other names: c.3683A>T, p.Asn1228Ile (NM_001042723.2); short protein forms N1228I.
Identifiers: ClinVar variation 3387689 (VCV003387689.1).
Genomic context (GRCh38, chr19:38,469,431, plus strand): 5'-GCTCTCTGAGGTTCTTTGCCATCTGTGGCCTCCAGGAAGGCTTCGAGCCATTTGCCATCA[A>T]CATGCAGCGCCCAGTCACCACCTGGTTCAGCAAAGGCCTGCCCCAGTTTGAGCCAGTGCC-3'
Protein context (NP_000531.2, residues 1218-1238): LQEGFEPFAI[Asn1228Ile]MQRPVTTWFS

ClinVar aggregate classification (germline): Uncertain significance (1 of 4 stars; one submission).

Conditions:
Malignant hyperthermia, susceptibility to, 1 (MHS1). Also called: Anesthesia related hyperthermia; Malignant hyperpyrexia; Fulminating hyperpyrexia; Pharmacogenic myopathy; RYR1-Related Malignant Hyperthermia Susceptibility; Malignant hyperthermia suceptibility 1. Identifiers: Orphanet 423, MedGen C2930980, MONDO:0007783, OMIM 145600.

Submission:

All of Us Research Program, National Institutes of Health
Classification: Uncertain significance for Malignant hyperthermia, susceptibility to, 1. Last evaluated: 2024-07-20. Review status: criteria provided, single submitter. Criteria: ACMG Guidelines, 2015. Collection method: clinical testing. Allele origin: germline. Inheritance: Autosomal dominant inheritance. Observed: 1 variant allele, 1 heterozygote.
Comment: This missense variant replaces asparagine with isoleucine at codon 1228 of the RYR1 protein. Computational prediction suggests that this variant may have deleterious impact on protein structure and function (internally defined REVEL score threshold >= 0.7, PMID: 27666373). To our knowledge, functional studies have not been reported for this variant. This variant has not been reported in individuals affected with RYR1-related disorders in the literature. This variant has not been identified in the general population by the Genome Aggregation Database (gnomAD). The available evidence is insufficient to determine the role of this variant in disease conclusively. Therefore, this variant is classified as a Variant of Uncertain Significance.

This study involves interpretation of variants in research participants for the purpose of population health screening. Participant phenotype was not available at the time of variant classification. Additional details can be found in publication PMID: 35346344, PMCID: PMC8962531